The following is an entry in ClinVar:

ClinVar aggregate classification (germline): Uncertain significance (0 of 4 stars; one submission).

Conditions:
ARHGEF28-related disorder. Also called: ARHGEF28-related condition.

gnomAD v4.1: 21 of 1,611,780 alleles (0.0013%); highest among the groups gnomAD compares: African/African-American, 0.0053%; no homozygotes.

Submission:

PreventionGenetics, part of Exact Sciences
Classification: Uncertain significance for ARHGEF28-related condition. Last evaluated: 2024-07-17. Review status: no assertion criteria provided. Collection method: clinical testing. Allele origin: germline.
Comment: The ARHGEF28 c.4150T>C variant is predicted to result in the amino acid substitution p.Tyr1384His. To our knowledge, this variant has not been reported in the literature. This variant is reported in 0.0041% of alleles in individuals of African descent in gnomAD. At this time, the clinical significance of this variant is uncertain due to the absence of conclusive functional and genetic evidence.

NM_001177693.2(ARHGEF28):c.4150T>C (p.Tyr1384His)

Gene: ARHGEF28 (Rho guanine nucleotide exchange factor 28; plus strand). Cytogenetic location: 5q13.2.
Variant type: single nucleotide variant.
Coding change: c.4150T>C on transcript NM_001177693.2 (MANE Select); coding-DNA position 4150, T replaced by C.
Protein change: p.Tyr1384His; replaces tyrosine 1384 with histidine.
Molecular consequence: missense variant.
Genome position (GRCh38, 1-based): chr5:73,904,394, T>C. VCF-style: chr5-73904394-T-C. GRCh37 (hg19) VCF-style: chr5-73200219-T-C.
Other names: c.4150T>C, p.Tyr1384His (NM_001080479.3, NM_001388078.1); c.3211T>C, p.Tyr1071His (NM_001244364.2); c.3856T>C, p.Tyr1286His (NM_001388076.1); short protein forms Y1071H, Y1286H, Y1384H.
Identifiers: ClinVar variation 3350546 (VCV003350546.1).
Genomic context (GRCh38, chr5:73,904,394, plus strand): 5'-GACACTTACAATTTTGTTTTTCAGATTATACAAGCCATACAGAATTTAACCCGTCTCTTA[T>C]ACAGCCTTCAGGTAACTATCCTCCTCTAATCTTTGACCTTGTGAATGGTTCTCTTAATGC-3'
Protein context (NP_001171164.1, residues 1374-1394): QAIQNLTRLL[Tyr1384His]SLQAALTIQD